The following is an entry in ClinVar:

ClinVar aggregate classification (germline): Conflicting classifications of pathogenicity. Review status: criteria provided, conflicting classifications (1 of 4 stars). 3 submissions from 3 submitters: Uncertain significance (2); Likely benign (1). Last evaluated 2025-08-28.

Conditions:
ACOX2-related disorder. Also called: ACOX2-related condition.

Allele frequency attached by ClinVar (database versions not stated): gnomAD 0.00007; TOPMed 0.00007; ExAC 0.00008; ESP Exome Variant Server 0.00023.
gnomAD v4.1: 110 of 1,614,026 alleles (0.0068%); highest among the groups gnomAD compares: Admixed American, 0.025%; no homozygotes.

Submissions (3):

PreventionGenetics, part of Exact Sciences
Classification: Uncertain significance for ACOX2-related condition. Last evaluated: 2025-08-28. Review status: criteria provided, single submitter. Criteria: ACMG Guidelines, 2015. Collection method: clinical testing. Allele origin: germline.
Comment: The ACOX2 c.445G>A variant is predicted to result in the amino acid substitution p.Ala149Thr. To our knowledge, this variant has not been reported in the literature. This variant is reported in 0.040% of alleles in individuals of Latino descent in gnomAD. At this time, the clinical significance of this variant is uncertain due to the absence of conclusive functional and genetic evidence.

Labcorp Genetics (formerly Invitae), Labcorp
Classification: Uncertain significance. Last evaluated: 2025-06-10. Review status: criteria provided, single submitter. Criteria: Invitae Variant Classification Sherloc (09022015). Collection method: clinical testing. Allele origin: germline.
Comment: This sequence change replaces alanine, which is neutral and non-polar, with threonine, which is neutral and polar, at codon 149 of the ACOX2 protein (p.Ala149Thr). This variant is present in population databases (rs150778355, gnomAD 0.04%). This variant has not been reported in the literature in individuals affected with ACOX2-related conditions. ClinVar contains an entry for this variant (Variation ID: 2168080). Invitae Evidence Modeling of protein sequence and biophysical properties (such as structural, functional, and spatial information, amino acid conservation, physicochemical variation, residue mobility, and thermodynamic stability) indicates that this missense variant is not expected to disrupt ACOX2 protein function with a negative predictive value of 80%. In summary, the available evidence is currently insufficient to determine the role of this variant in disease. Therefore, it has been classified as a Variant of Uncertain Significance.

Ambry Genetics
Classification: Likely benign. Last evaluated: 2023-10-24. Review status: criteria provided, single submitter. Criteria: Ambry Variant Classification Scheme 2023. Collection method: clinical testing. Allele origin: germline.

NM_003500.4(ACOX2):c.445G>A (p.Ala149Thr)

Gene: ACOX2 (acyl-CoA oxidase 2; minus strand). Cytogenetic location: 3p14.3.
Variant type: single nucleotide variant.
Coding change: c.445G>A on transcript NM_003500.4 (MANE Select); coding-DNA position 445, G replaced by A.
Protein change: p.Ala149Thr; replaces alanine 149 with threonine.
Molecular consequence: missense variant.
Genome position (GRCh38, 1-based): chr3:58,534,024, C>T on the plus strand (G>A on the coding strand, the complement: ACOX2 is on the minus strand). VCF-style: chr3-58534024-C-T. GRCh37 (hg19) VCF-style: chr3-58519751-C-T.
Other names: c.445G>A (NM_003500.3); short protein forms A149T.
Identifiers: ClinVar variation 2168080 (VCV002168080.6), dbSNP rs150778355, ClinGen allele CA2472412.